The following is an entry in ClinVar:

ClinVar aggregate classification (germline): Pathogenic. Review status: criteria provided, single submitter (1 of 4 stars). 2 submissions from 2 submitters: Pathogenic (1). 1 of the submissions does not count toward it. Last evaluated 2023-08-27.

Conditions:
Amyotrophic lateral sclerosis type 15. Also called: AMYOTROPHIC LATERAL SCLEROSIS 15 WITH FRONTOTEMPORAL DEMENTIA. Identifiers: Orphanet 803, MedGen C3275459, MONDO:0010459, OMIM 300857.

Submissions (2):

Labcorp Genetics (formerly Invitae), Labcorp
Classification: Pathogenic for Amyotrophic lateral sclerosis type 15. Last evaluated: 2023-08-27. Review status: criteria provided, single submitter. Criteria: Invitae Variant Classification Sherloc (09022015). Collection method: clinical testing. Allele origin: germline.
Comment: Experimental studies and prediction algorithms are not available or were not evaluated, and the functional significance of this variant is currently unknown. For these reasons, this variant has been classified as Pathogenic. This variant disrupts the p.Pro497 amino acid residue in UBQLN2. Other variant(s) that disrupt this residue have been determined to be pathogenic (PMID: 21857683, 24215460, 25398946, 30348461). This suggests that this residue is clinically significant, and that variants that disrupt this residue are likely to be disease-causing. ClinVar contains an entry for this variant (Variation ID: 29951). This missense change has been observed in individual(s) with amyotrophic lateral sclerosis (PMID: 21857683). It has also been observed to segregate with disease in related individuals. This variant is not present in population databases (gnomAD no frequency). This sequence change replaces proline, which is neutral and non-polar, with serine, which is neutral and polar, at codon 497 of the UBQLN2 protein (p.Pro497Ser).

OMIM
Classification: Pathogenic for AMYOTROPHIC LATERAL SCLEROSIS 15 WITH OR WITHOUT FRONTOTEMPORAL DEMENTIA. Last evaluated: 2011-08-21. Review status: no assertion criteria provided. Collection method: literature only. Allele origin: germline. Not counted in ClinVar's aggregate classification.

Literature cited by the submitters: PubMed 21857683 (cited by Labcorp Genetics (formerly Invitae), Labcorp and OMIM); PubMed 24215460 (cited by Labcorp Genetics (formerly Invitae), Labcorp); PubMed 25398946 (cited by Labcorp Genetics (formerly Invitae), Labcorp); PubMed 30348461 (cited by Labcorp Genetics (formerly Invitae), Labcorp).

NM_013444.4(UBQLN2):c.1489C>T (p.Pro497Ser)

Gene: UBQLN2 (ubiquilin 2; plus strand). Cytogenetic location: Xp11.21.
Variant type: single nucleotide variant.
Coding change: c.1489C>T on transcript NM_013444.4 (MANE Select); coding-DNA position 1489, C replaced by T.
Protein change: p.Pro497Ser; replaces proline 497 with serine.
Molecular consequence: missense variant.
Genome position (GRCh38, 1-based): chrX:56,565,362, C>T. VCF-style: chrX-56565362-C-T. GRCh37 (hg19) VCF-style: chrX-56591795-C-T.
Other names: short protein forms P497S.
Identifiers: ClinVar variation 29951 (VCV000029951.4), dbSNP rs387906710, ClinGen allele CA259705.